The following is an entry in ClinVar:

ClinVar aggregate classification (germline): Uncertain significance (1 of 4 stars; one submission).

Allele frequency attached by ClinVar (database versions not stated): ExAC 0.00006.
gnomAD v4.1: 75 of 1,614,002 alleles (0.0046%); highest among the groups gnomAD compares: Admixed American, 0.022%; no homozygotes.

Submission:

Labcorp Genetics (formerly Invitae), Labcorp
Classification: Uncertain significance. Last evaluated: 2023-06-14. Review status: criteria provided, single submitter. Criteria: Invitae Variant Classification Sherloc (09022015). Collection method: clinical testing. Allele origin: germline.
Comment: This sequence change replaces arginine, which is basic and polar, with histidine, which is basic and polar, at codon 386 of the SLC36A2 protein (p.Arg386His). This variant is present in population databases (rs764352852, gnomAD 0.01%). In summary, the available evidence is currently insufficient to determine the role of this variant in disease. Therefore, it has been classified as a Variant of Uncertain Significance. Advanced modeling of protein sequence and biophysical properties (such as structural, functional, and spatial information, amino acid conservation, physicochemical variation, residue mobility, and thermodynamic stability) performed at Invitae indicates that this missense variant is expected to disrupt SLC36A2 protein function. ClinVar contains an entry for this variant (Variation ID: 2056276). This variant has not been reported in the literature in individuals affected with SLC36A2-related conditions.

NM_181776.3(SLC36A2):c.1157G>A (p.Arg386His)

Gene: SLC36A2 (solute carrier family 36 member 2; minus strand). Cytogenetic location: 5q33.1.
Variant type: single nucleotide variant.
Coding change: c.1157G>A on transcript NM_181776.3 (MANE Select); coding-DNA position 1157, G replaced by A.
Protein change: p.Arg386His; replaces arginine 386 with histidine.
Molecular consequence: missense variant.
Genome position (GRCh38, 1-based): chr5:151,322,069, C>T on the plus strand (G>A on the coding strand, the complement: SLC36A2 is on the minus strand). VCF-style: chr5-151322069-C-T. GRCh37 (hg19) VCF-style: chr5-150701630-C-T.
Other names: short protein forms R386H.
Identifiers: ClinVar variation 2056276 (VCV002056276.4), dbSNP rs764352852, ClinGen allele CA3518624.